The following is an entry in ClinVar:

ClinVar aggregate classification (germline): Uncertain significance (1 of 4 stars; one submission).

Conditions:
Ullrich congenital muscular dystrophy 2 (UCMD2). Identifiers: Orphanet 75840, MedGen C4225314, MONDO:0014654, OMIM 616470.
Bethlem myopathy 2 (BTHLM2). Identifiers: Orphanet 536516, Orphanet 610, MedGen C4225313, MONDO:0034022, OMIM 616471.

Submission:

Labcorp Genetics (formerly Invitae), Labcorp
Classification: Uncertain significance for Bethlem myopathy 2; Ullrich congenital muscular dystrophy 2. Last evaluated: 2025-01-21. Review status: criteria provided, single submitter. Criteria: Invitae Variant Classification Sherloc (09022015). Collection method: clinical testing. Allele origin: germline.
Comment: This sequence change replaces serine, which is neutral and polar, with leucine, which is neutral and non-polar, at codon 798 of the COL12A1 protein (p.Ser798Leu). This variant is not present in population databases (gnomAD no frequency). This variant has not been reported in the literature in individuals affected with COL12A1-related conditions. ClinVar contains an entry for this variant (Variation ID: 2950440). Invitae Evidence Modeling of protein sequence and biophysical properties (such as structural, functional, and spatial information, amino acid conservation, physicochemical variation, residue mobility, and thermodynamic stability) has been performed for this missense variant. However, the output from this modeling did not meet the statistical confidence thresholds required to predict the impact of this variant on COL12A1 protein function. In summary, the available evidence is currently insufficient to determine the role of this variant in disease. Therefore, it has been classified as a Variant of Uncertain Significance.

NM_004370.6(COL12A1):c.2393C>T (p.Ser798Leu)

Gene: COL12A1 (collagen type XII alpha 1 chain; minus strand). Cytogenetic location: 6q13.
Variant type: single nucleotide variant.
Coding change: c.2393C>T on transcript NM_004370.6 (MANE Select); coding-DNA position 2393, C replaced by T.
Protein change: p.Ser798Leu; replaces serine 798 with leucine.
Molecular consequence: missense variant. On other transcripts: intron variant (2).
Genome position (GRCh38, 1-based): chr6:75,177,707, G>A on the plus strand (C>T on the coding strand, the complement: COL12A1 is on the minus strand). VCF-style: chr6-75177707-G-A. GRCh37 (hg19) VCF-style: chr6-75887423-G-A.
Other names: c.2393C>T, p.Ser798Leu (NM_001424113.1, NM_001424114.1, NM_001424115.1); c.73+25013C>T (NM_001424116.1, NM_080645.3); short protein forms S798L.
Identifiers: ClinVar variation 2950440 (VCV002950440.3), dbSNP rs2533533007, ClinGen allele CA364763668.